The following is an entry in ClinVar:

NM_001184.4(ATR):c.1543C>T (p.Arg515Cys)

Gene: ATR (ATR checkpoint kinase; minus strand). Cytogenetic location: 3q23.
Variant type: single nucleotide variant.
Coding change: c.1543C>T on transcript NM_001184.4 (MANE Select); coding-DNA position 1543, C replaced by T.
Protein change: p.Arg515Cys; replaces arginine 515 with cysteine.
Molecular consequence: missense variant.
Genome position (GRCh38, 1-based): chr3:142,559,440, G>A on the plus strand (C>T on the coding strand, the complement: ATR is on the minus strand). VCF-style: chr3-142559440-G-A. GRCh37 (hg19) VCF-style: chr3-142278282-G-A.
Other names: c.1351C>T, p.Arg451Cys (NM_001354579.2); short protein forms R451C, R515C.
Identifiers: ClinVar variation 1312844 (VCV001312844.5), dbSNP rs371791554, ClinGen allele CA2650561.

ClinVar aggregate classification (germline): Uncertain significance. Review status: criteria provided, multiple submitters, no conflicts (2 of 4 stars). 2 submissions from 2 submitters: Uncertain significance (2). Last evaluated 2024-01-29.

Allele frequency attached by ClinVar (database versions not stated): gnomAD 0.00001; TOPMed 0.00001; gnomAD exomes 0.00002 and 0.00004; ExAC 0.00003; ESP Exome Variant Server 0.00008.
gnomAD v4.1: 26 of 1,612,586 alleles (0.0016%); highest among the groups gnomAD compares: Admixed American, 0.012%; no homozygotes.

Submissions (2):

Labcorp Genetics (formerly Invitae), Labcorp
Classification: Uncertain significance. Last evaluated: 2024-01-29. Review status: criteria provided, single submitter. Criteria: Invitae Variant Classification Sherloc (09022015). Collection method: clinical testing. Allele origin: germline.
Comment: This sequence change replaces arginine, which is basic and polar, with cysteine, which is neutral and slightly polar, at codon 515 of the ATR protein (p.Arg515Cys). This variant is present in population databases (rs371791554, gnomAD 0.03%). This variant has not been reported in the literature in individuals affected with ATR-related conditions. ClinVar contains an entry for this variant (Variation ID: 1312844). An algorithm developed to predict the effect of missense changes on protein structure and function (PolyPhen-2) suggests that this variant¬†is likely to be tolerated. In summary, the available evidence is currently insufficient to determine the role of this variant in disease. Therefore, it has been classified as a Variant of Uncertain Significance.

GeneDx
Classification: Uncertain significance. Last evaluated: 2020-01-24. Review status: criteria provided, single submitter. Criteria: GeneDx Variant Classification Process June 2021. Collection method: clinical testing. Allele origin: germline. Affected: yes.
Comment: In silico analysis, which includes protein predictors and evolutionary conservation, supports that this variant does not alter protein structure/function; Has not been previously published as pathogenic or benign to our knowledge; In-silico analysis, which includes splice predictors and evolutionary conservation, is inconclusive as to whether the variant alters gene splicing. In the absence of RNA/functional studies, the actual effect of this sequence change is unknown.